The following is an entry in ClinVar:

NM_001330701.2(AGTPBP1):c.41A>G (p.Asn14Ser)

Gene: AGTPBP1 (ATP/GTP binding carboxypeptidase 1; minus strand). Cytogenetic location: 9q21.33.
Variant type: single nucleotide variant.
Coding change: c.41A>G on transcript NM_001330701.2 (MANE Select); coding-DNA position 41, A replaced by G.
Protein change: p.Asn14Ser; replaces asparagine 14 with serine.
Molecular consequence: missense variant.
Genome position (GRCh38, 1-based): chr9:85,692,805, T>C on the plus strand (A>G on the coding strand, the complement: AGTPBP1 is on the minus strand). VCF-style: chr9-85692805-T-C. GRCh37 (hg19) VCF-style: chr9-88307720-T-C.
Other names: NC_000009.11:g.88307720T>C; c.197A>G, p.Asn66Ser (NM_001286715.1, NM_001286717.1); c.41A>G, p.Asn14Ser (NM_015239.3); short protein forms N14S, N66S.
Identifiers: ClinVar variation 4357960 (VCV004357960.3).

ClinVar aggregate classification (germline): Likely benign. Review status: criteria provided, multiple submitters, no conflicts (2 of 4 stars). 2 submissions from 2 submitters: Likely benign (2). Last evaluated 2026-05-29.

Conditions:
AGTPBP1-related disorder. Also called: AGTPBP1-related condition.

gnomAD v4.1: 2,296 of 1,613,468 alleles (0.14%); highest among the groups gnomAD compares: Non-Finnish European, 0.18%; 2 homozygotes.

Submissions (4):

PreventionGenetics, part of Exact Sciences
Classification: Likely benign for AGTPBP1-related condition. Last evaluated: 2026-05-29. Review status: criteria provided, single submitter. Criteria: ACMG Guidelines, 2015. Collection method: clinical testing. Allele origin: germline.
Comment: This variant is classified as likely benign based on ACMG/AMP sequence variant interpretation guidelines (Richards et al. 2015 PMID: 25741868, with internal and published modifications).

Blueprint Genetics
Classification: Likely benign. Last evaluated: 2024-11-27. Review status: criteria provided, single submitter. Criteria: ACMG Guidelines, 2015. Collection method: clinical testing. Allele origin: germline.

Dr. Peter K. Rogan Lab, Western University
No classification provided (evidence only). Condition: Squamous cell carcinoma of the head and neck. Review status: no classification provided. Collection method: in vitro. Allele origin: not applicable. Functional consequence: retained intron. Not counted in ClinVar's aggregate classification.

Dr. Peter K. Rogan Lab, Western University
No classification provided (evidence only). Condition: Ovarian serous cystadenocarcinoma. Review status: no classification provided. Collection method: in vitro. Allele origin: not applicable. Functional consequence: retained intron. Not counted in ClinVar's aggregate classification.